The following is an entry in ClinVar:

NM_019842.4(KCNQ5):c.1248-3576C>G

Gene: KCNQ5 (potassium voltage-gated channel subfamily Q member 5; plus strand). Cytogenetic location: 6q13.
Variant type: single nucleotide variant.
Coding change: c.1248-3576C>G on transcript NM_019842.4 (MANE Select); 3576 bases into the intron before coding-DNA position 1248, C replaced by G.
Molecular consequence: intron variant. On other transcripts: missense variant (2).
Genome position (GRCh38, 1-based): chr6:73,129,845, C>G. VCF-style: chr6-73129845-C-G. GRCh37 (hg19) VCF-style: chr6-73839568-C-G.
Other names: c.1273C>G, p.Gln425Glu (NM_001160132.2); c.1300C>G, p.Gln434Glu (NM_001160133.2); c.1247+5333C>G (NM_001160134.2); c.1221-3576C>G (NM_001160130.2); short protein forms Q425E, Q434E.
Identifiers: ClinVar variation 2004440 (VCV002004440.4), dbSNP rs1265166530, ClinGen allele CA364827687.

ClinVar aggregate classification (germline): Uncertain significance (1 of 4 stars; one submission).

Submission:

Labcorp Genetics (formerly Invitae), Labcorp
Classification: Uncertain significance. Last evaluated: 2023-10-03. Review status: criteria provided, single submitter. Criteria: Invitae Variant Classification Sherloc (09022015). Collection method: clinical testing. Allele origin: germline.
Comment: This sequence change replaces glutamine, which is neutral and polar, with glutamic acid, which is acidic and polar, at codon 434 of the KCNQ5 protein (p.Gln434Glu). This variant is not present in population databases (gnomAD no frequency). This variant has not been reported in the literature in individuals affected with KCNQ5-related conditions. ClinVar contains an entry for this variant (Variation ID: 2004440). Advanced modeling of protein sequence and biophysical properties (such as structural, functional, and spatial information, amino acid conservation, physicochemical variation, residue mobility, and thermodynamic stability) performed at Invitae indicates that this missense variant is not expected to disrupt KCNQ5 protein function. In summary, the available evidence is currently insufficient to determine the role of this variant in disease. Therefore, it has been classified as a Variant of Uncertain Significance.